The following is an entry in ClinVar:

NM_005359.6(SMAD4):c.915del (p.His305fs)

Gene: SMAD4 (SMAD family member 4; plus strand). Cytogenetic location: 18q21.2.
Variant type: Deletion.
Coding change: c.915del on transcript NM_005359.6 (MANE Select); coding-DNA position 915, one base deleted (C; older notation c.915delC).
Protein change: p.His305fs; shifts the reading frame from histidine 305.
Molecular consequence: frameshift variant.
Genome position (GRCh38, 1-based): chr18:51,059,876, C deleted. VCF-style (leftmost placement, unchanged base first): chr18-51059875-AC-A. GRCh37 (hg19) VCF-style: chr18-48586245-AC-A.
Other names: c.915delC, p.His305Glnfs (NM_001407041.1, NM_001407042.1, NM_001407043.1); short protein forms H305fs.
Identifiers: ClinVar variation 1765998 (VCV001765998.2), dbSNP rs2511378688, ClinGen allele CA2580095850.

ClinVar aggregate classification (germline): Pathogenic (1 of 4 stars; one submission).

Conditions:
Hereditary cancer-predisposing syndrome. Also called: Neoplastic Syndromes, Hereditary; Tumor predisposition; Hereditary Cancer Syndrome; Hereditary neoplastic syndrome. Identifiers: Orphanet 140162, MedGen C0027672, MeSH D009386, MONDO:0015356.
Familial thoracic aortic aneurysm and aortic dissection (TAAD). Also called: Thoracic aortic aneurysms and dissections. Identifiers: Orphanet 91387, MedGen C4707243, MONDO:0019625.

Submission:

Ambry Genetics
Classification: Pathogenic for Hereditary cancer-predisposing syndrome; Familial thoracic aortic aneurysm and aortic dissection. Last evaluated: 2017-12-05. Review status: criteria provided, single submitter. Criteria: Ambry Variant Classification Scheme 2023. Collection method: clinical testing. Allele origin: germline.
Comment: The c.915delC pathogenic mutation, located in coding exon 7 of the SMAD4 gene, results from a deletion of one nucleotide at nucleotide position 915, causing a translational frameshift with a predicted alternate stop codon (p.H305Qfs*31). This alteration is expected to result in loss of function by premature protein truncation or nonsense-mediated mRNA decay. As such, this alteration is interpreted as a disease-causing mutation.